The following is an entry in ClinVar:

NM_001384125.1(BLTP1):c.1664C>T (p.Ala555Val)

Gene: BLTP1 (bridge-like lipid transfer protein family member 1; plus strand). Cytogenetic location: 4q27.
Variant type: single nucleotide variant.
Coding change: c.1664C>T on transcript NM_001384125.1 (MANE Select); coding-DNA position 1664, C replaced by T.
Protein change: p.Ala555Val; replaces alanine 555 with valine.
Molecular consequence: missense variant.
Genome position (GRCh38, 1-based): chr4:122,207,550, C>T. VCF-style: chr4-122207550-C-T. GRCh37 (hg19) VCF-style: chr4-123128705-C-T.
Other names: c.1664C>T, p.Ala555Val (NM_015312.4); short protein forms A555V.
Identifiers: ClinVar variation 450655 (VCV000450655.3), dbSNP rs760575832, ClinGen allele CA3065711.

ClinVar aggregate classification (germline): Uncertain significance (1 of 4 stars; one submission).

Submission:

GeneDx
Classification: Uncertain significance. Last evaluated: 2017-07-31. Review status: criteria provided, single submitter. Criteria: GeneDx Variant Classification (06012015). Collection method: clinical testing. Allele origin: germline. Affected: yes.
Comment: The A555V variant in the KIAA1109 gene has not been reported previously as a pathogenic variant, nor as a benign variant, to our knowledge. The A555V variant is not observed at a significant frequency in large population cohorts (Lek et al., 2016; 1000 Genomes Consortium et al., 2015; Exome Variant Server). The A555V variant is a conservative amino acid substitution, which is not likely to impact secondary protein structure as these residues share similar properties. This substitution occurs at a position that is conserved across species. In silico analysis predicts this variant is probably damaging to the protein structure/function. We interpret A555V as a variant of uncertain significance.